The following is an entry in ClinVar:

ClinVar aggregate classification (germline): Uncertain significance. Review status: criteria provided, multiple submitters, no conflicts (2 of 4 stars). 2 submissions from 2 submitters: Uncertain significance (2). Last evaluated 2024-02-20.

Conditions:
Neonatal diabetes mellitus with congenital hypothyroidism. Also called: NDH SYNDROME. Identifiers: Orphanet 79118, MedGen C1857775, MONDO:0012436, OMIM 610199.

Allele frequency attached by ClinVar (database versions not stated): ExAC 0.00001.
gnomAD v4.1: 1 of 1,614,106 alleles (0.000062%); highest among the groups gnomAD compares: Admixed American, 0.0017%; no homozygotes.

Submissions (2):

Fulgent Genetics
Classification: Uncertain significance for Neonatal diabetes mellitus with congenital hypothyroidism. Last evaluated: 2024-02-20. Review status: criteria provided, single submitter. Criteria: ACMG Guidelines, 2015. Collection method: clinical testing. Allele origin: germline.

Labcorp Genetics (formerly Invitae), Labcorp
Classification: Uncertain significance. Last evaluated: 2021-12-22. Review status: criteria provided, single submitter. Criteria: Invitae Variant Classification Sherloc (09022015). Collection method: clinical testing. Allele origin: germline.
Comment: This sequence change replaces proline, which is neutral and non-polar, with alanine, which is neutral and non-polar, at codon 684 of the GLIS3 protein (p.Pro684Ala). This variant is present in population databases (rs762792638, gnomAD 0.003%). This variant has not been reported in the literature in individuals affected with GLIS3-related conditions. Algorithms developed to predict the effect of missense changes on protein structure and function are either unavailable or do not agree on the potential impact of this missense change (SIFT: "Tolerated"; PolyPhen-2: "Possibly Damaging"; Align-GVGD: "Class C0"). In summary, the available evidence is currently insufficient to determine the role of this variant in disease. Therefore, it has been classified as a Variant of Uncertain Significance.

NM_001042413.2(GLIS3):c.2515C>G (p.Pro839Ala)

Gene: GLIS3 (GLIS family zinc finger 3; minus strand). Cytogenetic location: 9p24.2.
Variant type: single nucleotide variant.
Coding change: c.2515C>G on transcript NM_001042413.2 (MANE Select); coding-DNA position 2515, C replaced by G.
Protein change: p.Pro839Ala; replaces proline 839 with alanine.
Molecular consequence: missense variant.
Genome position (GRCh38, 1-based): chr9:3,829,451, G>C on the plus strand (C>G on the coding strand, the complement: GLIS3 is on the minus strand). VCF-style: chr9-3829451-G-C. GRCh37 (hg19) VCF-style: chr9-3829451-G-C.
Other names: c.2050C>G, p.Pro684Ala (NM_152629.4); short protein forms P839A, P684A.
Identifiers: ClinVar variation 1911035 (VCV001911035.3), dbSNP rs762792638, ClinGen allele CA4967733.